The following is an entry in ClinVar:

NM_000377.3(WAS):c.1508G>A (p.Ter503=)

Gene: WAS (WASP actin nucleation promoting factor; plus strand). Cytogenetic location: Xp11.23.
Variant type: single nucleotide variant.
Coding change: c.1508G>A on transcript NM_000377.3 (MANE Select); coding-DNA position 1508, G replaced by A.
Protein change: p.Ter503=.
Molecular consequence: synonymous variant.
Genome position (GRCh38, 1-based): chrX:48,691,161, G>A. VCF-style: chrX-48691161-G-A. GRCh37 (hg19) VCF-style: chrX-48549552-G-A.
Identifiers: ClinVar variation 2418082 (VCV002418082.29), dbSNP rs1241403780, ClinGen allele CA516024147.

ClinVar aggregate classification (germline): Likely benign. Review status: criteria provided, multiple submitters, no conflicts (2 of 4 stars). 2 submissions from 2 submitters: Likely benign (2). Last evaluated 2025-12-10.

Conditions:
Thrombocytopenia 1. Also called: THROMBOCYTOPENIA, X-LINKED, 1; X-Linked Thrombocytopenia (XLT); X-linked thrombocytopenia with normal platelets. Identifiers: Orphanet 268322, Orphanet 852, MedGen C1839163, MONDO:0010743, OMIM 313900.
Wiskott-Aldrich syndrome (WAS). Also called: Wiskott-aldrich syndrome, somatic; ALDRICH SYNDROME; IMMUNODEFICIENCY 2; WISKOTT-ALDRICH SYNDROME 1. Identifiers: Orphanet 906, MedGen C0043194, MONDO:0010518, OMIM 301000.
X-linked severe congenital neutropenia (SCNX). Identifiers: Orphanet 86788, MedGen C1845987, MONDO:0010294, OMIM 300299.

Allele frequency attached by ClinVar (database versions not stated): gnomAD exomes below 0.00001; gnomAD 0.00002; TOPMed 0.00002.
gnomAD v4.1: 4 of 1,207,671 alleles (0.00033%); highest among the groups gnomAD compares: Admixed American, 0.0022%; no homozygotes.

Submissions (2):

Labcorp Genetics (formerly Invitae), Labcorp
Classification: Likely benign for Wiskott-Aldrich syndrome; X-linked severe congenital neutropenia; Thrombocytopenia 1. Last evaluated: 2025-12-10. Review status: criteria provided, single submitter. Criteria: Invitae Variant Classification Sherloc (09022015). Collection method: clinical testing. Allele origin: germline.

CeGaT Center for Human Genetics Tuebingen
Classification: Likely benign. Last evaluated: 2023-11-01. Review status: criteria provided, single submitter. Criteria: CeGaT Center For Human Genetics Tuebingen Variant Classification Criteria Version 2. Collection method: clinical testing. Allele origin: germline. Affected: yes. Observed: 1 variant allele.
Comment: WAS: BP4